The following is an entry in ClinVar:

NM_207346.3(TSEN54):c.1030del (p.Arg344fs)

Gene: TSEN54 (tRNA splicing endonuclease subunit 54; plus strand). Cytogenetic location: 17q25.1.
Variant type: Deletion.
Coding change: c.1030del on transcript NM_207346.3 (MANE Select); coding-DNA position 1030, one base deleted (C; older notation c.1030delC).
Protein change: p.Arg344fs; shifts the reading frame from arginine 344.
Molecular consequence: frameshift variant.
Genome position (GRCh38, 1-based): chr17:75,522,111, C deleted. VCF-style (leftmost placement, unchanged base first): chr17-75522110-GC-G. GRCh37 (hg19) VCF-style: chr17-73518191-GC-G.
Other names: short protein forms R344fs.
Identifiers: ClinVar variation 3348888 (VCV003348888.1).

ClinVar aggregate classification (germline): Likely pathogenic (0 of 4 stars; one submission).

Conditions:
TSEN54-related disorder. Also called: TSEN54-related condition.

Submission:

PreventionGenetics, part of Exact Sciences
Classification: Likely pathogenic for TSEN54-related condition. Last evaluated: 2024-03-03. Review status: no assertion criteria provided. Collection method: clinical testing. Allele origin: germline.
Comment: The TSEN54 c.1030delC variant is predicted to result in a frameshift and premature protein termination (p.Arg344Alafs*66). To our knowledge, this variant has not been reported in the literature or in a large population database, indicating this variant is rare. Frameshift variants in TSEN54 are expected to be pathogenic. This variant is interpreted as likely pathogenic.